The following is an entry in ClinVar:

ClinVar aggregate classification (germline): Uncertain significance. Review status: criteria provided, multiple submitters, no conflicts (2 of 4 stars). 3 submissions from 3 submitters: Uncertain significance (3). Last evaluated 2026-01-20.

Conditions:
Potassium-aggravated myotonia. Also called: MYOTONIA CONGENITA, ACETAZOLAMIDE-RESPONSIVE; MYOTONIA CONGENITA, ATYPICAL; SODIUM CHANNEL MUSCLE DISEASE; Myotonia congenita, atypical, acetazolamide-responsive. Identifiers: Orphanet 612, Orphanet 99734, Orphanet 99735, Orphanet 99736, MedGen C2931826, MONDO:0018959, OMIM 608390.
Hypokalemic periodic paralysis, type 2 (HOKPP2). Identifiers: Orphanet 681, MedGen C2750061, MONDO:0013234, OMIM 613345.
Paramyotonia congenita of Von Eulenburg. Also called: PARALYSIS PERIODICA PARAMYOTONICA; Paramyotonia Congenita; Eulenburg disease; Myotonia congenita intermittens; Von Eulenburg paramyotonia congenita. Identifiers: Orphanet 684, MedGen C0221055, MONDO:0008195, OMIM 168300. Disease mechanism: loss of function.
Hyperkalemic periodic paralysis. Also called: Familial hyperkalemic periodic paralysis; Gamstorp disease. Identifiers: Orphanet 682, MedGen C0238357, MONDO:0008224, OMIM 170500, HP:0007215.
Congenital myasthenic syndrome 16. Identifiers: Orphanet 590, MedGen C3280112, MONDO:0013620, OMIM 614198.
Congenital myopathy 22A, classic (CMYO22A). Identifiers: MedGen C5830453, MONDO:0957247, OMIM 620351.
Congenital myopathy 22B, severe fetal (CMYO22B). Identifiers: MedGen C5830501, MONDO:0957265, OMIM 620369.

Allele frequency attached by ClinVar (database versions not stated): TOPMed 0.00003; gnomAD exomes 0.00008 and 0.00004; ExAC 0.00007; ESP Exome Variant Server 0.00015; gnomAD 0.00003.
gnomAD v4.1: 70 of 1,613,934 alleles (0.0043%); highest among the groups gnomAD compares: South Asian, 0.016%; no homozygotes.

Submissions (3):

Labcorp Genetics (formerly Invitae), Labcorp
Classification: Uncertain significance for Hyperkalemic periodic paralysis. Last evaluated: 2026-01-20. Review status: criteria provided, single submitter. Criteria: Invitae Variant Classification Sherloc (09022015). Collection method: clinical testing. Allele origin: germline.
Comment: This sequence change replaces valine, which is neutral and non-polar, with isoleucine, which is neutral and non-polar, at codon 1414 of the SCN4A protein (p.Val1414Ile). This variant is present in population databases (rs369929462, gnomAD 0.02%). This variant has not been reported in the literature in individuals affected with SCN4A-related conditions. ClinVar contains an entry for this variant (Variation ID: 661013). Invitae Evidence Modeling of protein sequence and biophysical properties (such as structural, functional, and spatial information, amino acid conservation, physicochemical variation, residue mobility, and thermodynamic stability) indicates that this missense variant is not expected to disrupt SCN4A protein function with a negative predictive value of 95%. In summary, the available evidence is currently insufficient to determine the role of this variant in disease. Therefore, it has been classified as a Variant of Uncertain Significance.

Fulgent Genetics
Classification: Uncertain significance for Paramyotonia congenita of Von Eulenburg; Hyperkalemic periodic paralysis; Potassium-aggravated myotonia; Hypokalemic periodic paralysis, type 2; Congenital myasthenic syndrome 16; Congenital myopathy 22A, classic; Congenital myopathy 22B, severe fetal. Last evaluated: 2024-03-07. Review status: criteria provided, single submitter. Criteria: ACMG Guidelines, 2015. Collection method: clinical testing. Allele origin: germline.

Revvity Omics, Revvity
Classification: Uncertain significance. Last evaluated: 2023-08-02. Review status: criteria provided, single submitter. Criteria: ACMG Guidelines, 2015. Collection method: clinical testing. Allele origin: germline.

NM_000334.4(SCN4A):c.4240G>A (p.Val1414Ile)

Genes: GH-LCR (growth hormone locus control region; plus strand), SCN4A (sodium voltage-gated channel alpha subunit 4; minus strand). Cytogenetic location: 17q23.3.
Variant type: single nucleotide variant.
Coding change: c.4240G>A on transcript NM_000334.4 (MANE Select); coding-DNA position 4240, G replaced by A.
Protein change: p.Val1414Ile; replaces valine 1414 with isoleucine.
Molecular consequence: missense variant.
Genome position (GRCh38, 1-based): chr17:63,942,874, C>T on the plus strand (G>A on the coding strand, the complement: SCN4A is on the minus strand). VCF-style: chr17-63942874-C-T. GRCh37 (hg19) VCF-style: chr17-62020234-C-T.
Other names: short protein forms V1414I.
Identifiers: ClinVar variation 661013 (VCV000661013.13), dbSNP rs369929462, ClinGen allele CA8709030.